The following is an entry in ClinVar:

ClinVar aggregate classification (germline): Uncertain significance (1 of 4 stars; one submission).

Conditions:
Inborn genetic diseases. Identifiers: MedGen C0950123, MeSH D030342.

Submission:

Ambry Genetics
Classification: Uncertain significance for Inborn genetic diseases. Last evaluated: 2026-04-30. Review status: criteria provided, single submitter. Criteria: Ambry Variant Classification Scheme 2023. Collection method: clinical testing. Allele origin: germline.
Comment: The c.784A>G (p.M262V) alteration is located in exon 10 (coding exon 10) of the ATP2C1 gene. This alteration results from a A to G substitution at nucleotide position 784, causing the methionine (M) at amino acid position 262 to be replaced by a valine (V). Based on data from gnomAD, the G allele has an overall frequency of 0.003% (1/31398) total alleles studied. The highest observed frequency was 0.012% (1/8714) of African alleles. Based on insufficient or conflicting evidence, the clinical significance of this alteration remains unclear.

NM_001378687.1(ATP2C1):c.784A>G (p.Met262Val)

Gene: ATP2C1 (ATPase secretory pathway Ca2+ transporting 1; plus strand). Cytogenetic location: 3q22.1.
Variant type: single nucleotide variant.
Coding change: c.784A>G on transcript NM_001378687.1 (MANE Select); coding-DNA position 784, A replaced by G.
Protein change: p.Met262Val; replaces methionine 262 with valine.
Molecular consequence: missense variant.
Genome position (GRCh38, 1-based): chr3:130,956,131, A>G. VCF-style: chr3-130956131-A-G. GRCh37 (hg19) VCF-style: chr3-130674975-A-G.
Other names: c.784A>G, p.Met262Val (NM_001001485.3, NM_001001486.2, NM_001001487.2 and 5 more transcripts); c.886A>G, p.Met296Val (NM_001199180.2, NM_001199181.3, NM_001378511.1); c.769A>G, p.Met257Val (NM_001199182.2); c.736A>G, p.Met246Val (NM_001199183.2, NM_001199184.3, NM_001378514.1); short protein forms M246V, M257V, M262V, M296V.
Identifiers: ClinVar variation 4867156 (VCV004867156.1).
Genomic context (GRCh38, chr3:130,956,131, plus strand): 5'-AATTGTGGTGACACTCTTCTTCAATTTATCAAGGCACCAAAAACCCCTCTGCAGAAGAGC[A>G]TGGACCTCTTAGGAAAACAACTTTCCTTTTACTCCTTTGGTATAATAGGTAAGAGAAGAG-3'
Protein context (NP_001365616.1, residues 252-272): EAPKTPLQKS[Met262Val]DLLGKQLSFY